The following is an entry in ClinVar:

ClinVar aggregate classification (germline): Uncertain significance (1 of 4 stars; one submission).

Allele frequency attached by ClinVar (database versions not stated): ExAC 0.00001; gnomAD exomes 0.00001; TOPMed 0.00001; gnomAD 0.00002.

Submission:

Ambry Genetics
Classification: Uncertain significance. Last evaluated: 2024-07-02. Review status: criteria provided, single submitter. Criteria: Ambry Variant Classification Scheme 2023. Collection method: clinical testing. Allele origin: germline.
Comment: The p.G79S variant (also known as c.235G>A), located in coding exon 1 of the EGLN2 gene, results from a G to A substitution at nucleotide position 235. The glycine at codon 79 is replaced by serine, an amino acid with similar properties. This amino acid position is conserved. In addition, this alteration is predicted to be tolerated by in silico analysis. Since supporting evidence is limited at this time, the clinical significance of this alteration remains unclear.

NM_080732.4(EGLN2):c.235G>A (p.Gly79Ser)

Genes: EGLN2 (egl-9 family hypoxia inducible factor 2; plus strand), RAB4B-EGLN2 (RAB4B-EGLN2 readthrough (NMD candidate); plus strand). Cytogenetic location: 19q13.2.
Variant type: single nucleotide variant.
Coding change: c.235G>A on transcript NM_080732.4 (MANE Select); coding-DNA position 235, G replaced by A.
Protein change: p.Gly79Ser; replaces glycine 79 with serine.
Molecular consequence: missense variant. On other transcripts: non-coding transcript variant (1).
Genome position (GRCh38, 1-based): chr19:40,800,807, G>A. VCF-style: chr19-40800807-G-A. GRCh37 (hg19) VCF-style: chr19-41306712-G-A.
Other names: c.235G>A, p.Gly79Ser (NM_053046.4); short protein forms G79S.
Identifiers: ClinVar variation 1790135 (VCV001790135.3), dbSNP rs756646179, ClinGen allele CA9452175.